The following is an entry in ClinVar:

ClinVar aggregate classification (germline): Uncertain significance (1 of 4 stars; one submission).

Conditions:
Hereditary pancreatitis (PCTT). Also called: Hereditary chronic pancreatitis; PRSS1-Related Hereditary Pancreatitis. Identifiers: Orphanet 676, MedGen C0238339, MONDO:0008185, OMIM 167800.

Allele frequency attached by ClinVar (database versions not stated): gnomAD exomes below 0.00001.

Submission:

Labcorp Genetics (formerly Invitae), Labcorp
Classification: Uncertain significance for Hereditary pancreatitis. Last evaluated: 2022-10-24. Review status: criteria provided, single submitter. Criteria: Invitae Variant Classification Sherloc (09022015). Collection method: clinical testing. Allele origin: germline.
Comment: In summary, the available evidence is currently insufficient to determine the role of this variant in disease. Therefore, it has been classified as a Variant of Uncertain Significance. Algorithms developed to predict the effect of missense changes on protein structure and function (SIFT, PolyPhen-2, Align-GVGD) all suggest that this variant is likely to be tolerated. This variant has not been reported in the literature in individuals affected with PRSS1-related conditions. The frequency data for this variant in the population databases is considered unreliable, as metrics indicate poor data quality at this position in the gnomAD database. This sequence change replaces threonine, which is neutral and polar, with isoleucine, which is neutral and non-polar, at codon 8 of the PRSS1 protein (p.Thr8Ile).

NM_002769.5(PRSS1):c.23C>T (p.Thr8Ile)

Genes: PRSS1 (serine protease 1; plus strand), TRB (T cell receptor beta locus; plus strand). Cytogenetic location: 7q34.
Variant type: single nucleotide variant.
Coding change: c.23C>T on transcript NM_002769.5 (MANE Select); coding-DNA position 23, C replaced by T.
Protein change: p.Thr8Ile; replaces threonine 8 with isoleucine.
Molecular consequence: missense variant. On other transcripts: non-coding transcript variant (5).
Genome position (GRCh38, 1-based): chr7:142,749,507, C>T. VCF-style: chr7-142749507-C-T. GRCh37 (hg19) VCF-style: chr7-142457358-C-T.
Other names: short protein forms T8I.
Identifiers: ClinVar variation 2040573 (VCV002040573.4), dbSNP rs201027769, ClinGen allele CA168145103.